The following is an entry in ClinVar:

ClinVar aggregate classification (germline): Uncertain significance (1 of 4 stars; one submission).

Allele frequency attached by ClinVar (database versions not stated): TOPMed below 0.00001; gnomAD exomes 0.00001; ExAC 0.00002.
gnomAD v4.1: 5 of 1,612,510 alleles (0.00031%); highest among the groups gnomAD compares: Non-Finnish European, 0.000085%; no homozygotes.

Submission:

Ambry Genetics
Classification: Uncertain significance. Last evaluated: 2023-07-13. Review status: criteria provided, single submitter. Criteria: Ambry Variant Classification Scheme 2023. Collection method: clinical testing. Allele origin: germline.
Comment: The p.S67F variant (also known as c.200C>T), located in coding exon 1 of the MYOM1 gene, results from a C to T substitution at nucleotide position 200. The serine at codon 67 is replaced by phenylalanine, an amino acid with highly dissimilar properties. This amino acid position is conserved. In addition, this alteration is predicted to be tolerated by in silico analysis. Since supporting evidence is limited at this time, the clinical significance of this alteration remains unclear.

NM_003803.4(MYOM1):c.200C>T (p.Ser67Phe)

Gene: MYOM1 (myomesin 1; minus strand). Cytogenetic location: 18p11.31.
Variant type: single nucleotide variant.
Coding change: c.200C>T on transcript NM_003803.4 (MANE Select); coding-DNA position 200, C replaced by T.
Protein change: p.Ser67Phe; replaces serine 67 with phenylalanine.
Molecular consequence: missense variant.
Genome position (GRCh38, 1-based): chr18:3,215,024, G>A on the plus strand (C>T on the coding strand, the complement: MYOM1 is on the minus strand). VCF-style: chr18-3215024-G-A. GRCh37 (hg19) VCF-style: chr18-3215022-G-A.
Other names: c.200C>T, p.Ser67Phe (NM_019856.2); short protein forms S67F.
Identifiers: ClinVar variation 2625113 (VCV002625113.2), dbSNP rs773311187, ClinGen allele CA8875325.